The following is an entry in ClinVar:

NM_024757.5(EHMT1):c.2131C>G (p.Leu711Val)

Gene: EHMT1 (euchromatic histone lysine methyltransferase 1; plus strand). Cytogenetic location: 9q34.3.
Variant type: single nucleotide variant.
Coding change: c.2131C>G on transcript NM_024757.5 (MANE Select); coding-DNA position 2131, C replaced by G.
Protein change: p.Leu711Val; replaces leucine 711 with valine.
Molecular consequence: missense variant.
Genome position (GRCh38, 1-based): chr9:137,777,994, C>G. VCF-style: chr9-137777994-C-G. GRCh37 (hg19) VCF-style: chr9-140672446-C-G.
Other names: c.2131C>G, p.Leu711Val (NM_001145527.2); c.2038C>G, p.Leu680Val (NM_001354259.2); c.2110C>G, p.Leu704Val (NM_001354263.2); short protein forms L680V, L711V, L704V.
Identifiers: ClinVar variation 4742929 (VCV004742929.1).

ClinVar aggregate classification (germline): Uncertain significance (1 of 4 stars; one submission).

Conditions:
Kleefstra syndrome 1 (KLEFS1). Identifiers: Orphanet 261494, MedGen C0795833, MONDO:0027407, OMIM 610253.

gnomAD v4.1: 2 of 1,613,896 alleles (0.00012%); highest among the groups gnomAD compares: Non-Finnish European, 0.00017%; no homozygotes.

Submission:

Labcorp Genetics (formerly Invitae), Labcorp
Classification: Uncertain significance for Kleefstra syndrome 1. Last evaluated: 2025-09-20. Review status: criteria provided, single submitter. Criteria: Invitae Variant Classification Sherloc (09022015). Collection method: clinical testing. Allele origin: germline.
Comment: This sequence change replaces leucine, which is neutral and non-polar, with valine, which is neutral and non-polar, at codon 711 of the EHMT1 protein (p.Leu711Val). This variant is not present in population databases (gnomAD no frequency). This variant has not been reported in the literature in individuals affected with EHMT1-related conditions. Invitae Evidence Modeling of protein sequence and biophysical properties (such as structural, functional, and spatial information, amino acid conservation, physicochemical variation, residue mobility, and thermodynamic stability) indicates that this missense variant is not expected to disrupt EHMT1 protein function with a negative predictive value of 80%. In summary, the available evidence is currently insufficient to determine the role of this variant in disease. Therefore, it has been classified as a Variant of Uncertain Significance.